The following is an entry in ClinVar:

NM_014915.3(ANKRD26):c.56G>A (p.Arg19Gln)

Genes: ANKRD26 (ankyrin repeat domain 26; minus strand), LOC130003554 (ATAC-STARR-seq lymphoblastoid silent region 2243; plus strand). Cytogenetic location: 10p12.1.
Variant type: single nucleotide variant.
Coding change: c.56G>A on transcript NM_014915.3 (MANE Select); coding-DNA position 56, G replaced by A.
Protein change: p.Arg19Gln; replaces arginine 19 with glutamine.
Molecular consequence: missense variant.
Genome position (GRCh38, 1-based): chr10:27,100,271, C>T on the plus strand (G>A on the coding strand, the complement: ANKRD26 is on the minus strand). VCF-style: chr10-27100271-C-T. GRCh37 (hg19) VCF-style: chr10-27389200-C-T.
Other names: c.56G>A, p.Arg19Gln (NM_001256053.2); short protein forms R19Q.
Identifiers: ClinVar variation 3625188 (VCV003625188.2).

ClinVar aggregate classification (germline): Uncertain significance (1 of 4 stars; one submission).

Submission:

Labcorp Genetics (formerly Invitae), Labcorp
Classification: Uncertain significance. Last evaluated: 2024-12-03. Review status: criteria provided, single submitter. Criteria: Invitae Variant Classification Sherloc (09022015). Collection method: clinical testing. Allele origin: germline.
Comment: This sequence change replaces arginine, which is basic and polar, with glutamine, which is neutral and polar, at codon 19 of the ANKRD26 protein (p.Arg19Gln). The frequency data for this variant in the population databases is considered unreliable, as metrics indicate poor data quality at this position in the gnomAD database. This variant has not been reported in the literature in individuals affected with ANKRD26-related conditions. An algorithm developed to predict the effect of missense changes on protein structure and function outputs the following: PolyPhen-2: "Benign". The glutamine amino acid residue is found in multiple mammalian species, which suggests that this missense change does not adversely affect protein function. In summary, the available evidence is currently insufficient to determine the role of this variant in disease. Therefore, it has been classified as a Variant of Uncertain Significance.